The following is an entry in ClinVar:

ClinVar aggregate classification (germline): Uncertain significance. Review status: criteria provided, multiple submitters, no conflicts (2 of 4 stars). 2 submissions from 2 submitters: Uncertain significance (2). Last evaluated 2024-07-16.

Conditions:
Branchiooculofacial syndrome (BOFS). Also called: BOF SYNDROME; Branchio-Oculo-Facial Syndrome; HEMANGIOMATOUS BRANCHIAL CLEFTS-LIP PSEUDOCLEFT SYNDROME; LIP PSEUDOCLEFT-HEMANGIOMATOUS BRANCHIAL CYST SYNDROME. Identifiers: Orphanet 1297, MedGen C0376524, MeSH D019280, MONDO:0007235, OMIM 113620.

Allele frequency attached by ClinVar (database versions not stated): ExAC 0.00001; gnomAD 0.00001; gnomAD exomes 0.00001; TOPMed 0.00002.
gnomAD v4.1: 5 of 1,612,188 alleles (0.00031%); highest among the groups gnomAD compares: Admixed American, 0.0084%; no homozygotes.

Submissions (2):

Labcorp Genetics (formerly Invitae), Labcorp
Classification: Uncertain significance. Last evaluated: 2024-07-16. Review status: criteria provided, single submitter. Criteria: Invitae Variant Classification Sherloc (09022015). Collection method: clinical testing. Allele origin: germline.
Comment: This sequence change replaces serine, which is neutral and polar, with phenylalanine, which is neutral and non-polar, at codon 37 of the TFAP2A protein (p.Ser37Phe). This variant is present in population databases (rs779448987, gnomAD 0.01%). This variant has not been reported in the literature in individuals affected with TFAP2A-related conditions. ClinVar contains an entry for this variant (Variation ID: 1918881). An algorithm developed to predict the effect of missense changes on protein structure and function (PolyPhen-2) suggests that this variant is likely to be disruptive. In summary, the available evidence is currently insufficient to determine the role of this variant in disease. Therefore, it has been classified as a Variant of Uncertain Significance.

Fulgent Genetics
Classification: Uncertain significance for Branchiooculofacial syndrome. Last evaluated: 2024-06-04. Review status: criteria provided, single submitter. Criteria: ACMG Guidelines, 2015. Collection method: clinical testing. Allele origin: germline.

NM_001372066.1(TFAP2A):c.116C>T (p.Ser39Phe)

Gene: TFAP2A (transcription factor AP-2 alpha; minus strand). Cytogenetic location: 6p24.3.
Variant type: single nucleotide variant.
Coding change: c.116C>T on transcript NM_001372066.1 (MANE Select); coding-DNA position 116, C replaced by T.
Protein change: p.Ser39Phe; replaces serine 39 with phenylalanine.
Molecular consequence: missense variant.
Genome position (GRCh38, 1-based): chr6:10,410,271, G>A on the plus strand (C>T on the coding strand, the complement: TFAP2A is on the minus strand). VCF-style: chr6-10410271-G-A. GRCh37 (hg19) VCF-style: chr6-10410504-G-A.
Other names: c.92C>T, p.Ser31Phe (NM_001032280.3); c.98C>T, p.Ser33Phe (NM_001042425.3); short protein forms S31F, S39F, S33F.
Identifiers: ClinVar variation 1918881 (VCV001918881.6), dbSNP rs779448987, ClinGen allele CA3631409.